The following is an entry in ClinVar:

ClinVar aggregate classification (germline): Pathogenic. Review status: criteria provided, multiple submitters, no conflicts (2 of 4 stars). 4 submissions from 4 submitters: Pathogenic (3). 1 of the submissions does not count toward it. Last evaluated 2023-03-22.

Conditions:
Acrocallosal syndrome (ACLS). Also called: Schinzel syndrome 1; Absence of corpus callosum with unusual facial appearance, mental deficiency, duplication of the halluces and polydactyly; HALLUX DUPLICATION, POSTAXIAL POLYDACTYLY, AND ABSENCE OF CORPUS CALLOSUM. Identifiers: Orphanet 36, MedGen C0796147, MONDO:0008708, OMIM 200990.

Allele frequency attached by ClinVar (database versions not stated): gnomAD exomes below 0.00001.
gnomAD v4.1: 1 of 1,562,272 alleles (0.000064%); highest among the groups gnomAD compares: Non-Finnish European, 0.000087%; no homozygotes.

Submissions (4):

GeneDx
Classification: Pathogenic. Last evaluated: 2023-03-22. Review status: criteria provided, single submitter. Criteria: GeneDx Variant Classification Process June 2021. Collection method: clinical testing. Allele origin: germline. Affected: yes.
Comment: Observed with a likely pathogenic variant in published literature, but it is not known whether the variants occurred on the same (in cis) or on different (in trans) chromosomes (Asadollahi et al., 2018); Nonsense variant predicted to result in protein truncation or nonsense mediated decay in a gene for which loss of function is a known mechanism of disease; Not observed at significant frequency in large population cohorts (gnomAD); This variant is associated with the following publications: (PMID: 25525159, 21552264, 29321670, 33382518, 26147798, 22587682)

Labcorp Genetics (formerly Invitae), Labcorp
Classification: Pathogenic for Acrocallosal syndrome. Last evaluated: 2021-08-29. Review status: criteria provided, single submitter. Criteria: Invitae Variant Classification Sherloc (09022015). Collection method: clinical testing. Allele origin: germline.
Comment: This variant is not present in population databases (ExAC no frequency). ClinVar contains an entry for this variant (Variation ID: 30897). This premature translational stop signal has been observed in individual(s) with Acrocallosal syndrome (PMID: 21552264, 29321670). This sequence change creates a premature translational stop signal (p.Gln1001*) in the KIF7 gene. It is expected to result in an absent or disrupted protein product. Loss-of-function variants in KIF7 are known to be pathogenic (PMID: 19666503, 21552264, 21633164, 26648833). For these reasons, this variant has been classified as Pathogenic.

Institute of Medical Genetics, University of Zurich
Classification: Pathogenic for Acrocallosal syndrome. Last evaluated: 2017-05-18. Review status: criteria provided, single submitter. Criteria: ACMG Guidelines, 2015. Collection method: clinical testing. Allele origin: inherited. Affected: yes. Observed: 1 compound heterozygote.

OMIM
Classification: Pathogenic for ACROCALLOSAL SYNDROME. Last evaluated: 2011-06-01. Review status: no assertion criteria provided. Collection method: literature only. Allele origin: germline. Not counted in ClinVar's aggregate classification.

Literature cited by the submitters: PubMed 21552264 (cited by Labcorp Genetics (formerly Invitae), Labcorp and OMIM); PubMed 29321670 (cited by Labcorp Genetics (formerly Invitae), Labcorp and Institute of Medical Genetics, University of Zurich); PubMed 19666503 (cited by Labcorp Genetics (formerly Invitae), Labcorp); PubMed 21633164 (cited by Labcorp Genetics (formerly Invitae), Labcorp); PubMed 26648833 (cited by Labcorp Genetics (formerly Invitae), Labcorp).

NM_198525.3(KIF7):c.3001C>T (p.Gln1001Ter)

Gene: KIF7 (kinesin family member 7; minus strand). Cytogenetic location: 15q26.1.
Variant type: single nucleotide variant.
Coding change: c.3001C>T on transcript NM_198525.3 (MANE Select); coding-DNA position 3001, C replaced by T.
Protein change: p.Gln1001Ter; replaces glutamine 1001 with a stop codon.
Molecular consequence: nonsense.
Genome position (GRCh38, 1-based): chr15:89,631,605, G>A on the plus strand (C>T on the coding strand, the complement: KIF7 is on the minus strand). VCF-style: chr15-89631605-G-A. GRCh37 (hg19) VCF-style: chr15-90174836-G-A.
Other names: short protein forms Q1001*.
Identifiers: ClinVar variation 30897 (VCV000030897.8), dbSNP rs387907045, ClinGen allele CA020318.